The following is an entry in ClinVar:

ClinVar aggregate classification (germline): Uncertain significance. Review status: criteria provided, multiple submitters, no conflicts (2 of 4 stars). 3 submissions from 3 submitters: Uncertain significance (3). Last evaluated 2025-12-08.

Conditions:
Cardiac arrhythmia. Also called: Arrhythmia; Cardiac rhythm disease. Identifiers: MedGen C0003811, MONDO:0007263, HP:0011675.
Cardiovascular phenotype. Identifiers: MedGen CN230736.
Long QT syndrome (LQTS). Identifiers: MedGen C0023976, MeSH D008133, MONDO:0002442. Disease mechanism: loss of function. Inheritance: Various modes of inheritance.

Allele frequency attached by ClinVar (database versions not stated): gnomAD exomes 0.00001.
gnomAD v4.1: 7 of 1,614,228 alleles (0.00043%); highest among the groups gnomAD compares: Non-Finnish European, 0.00059%; no homozygotes.

Submissions (3):

Color Diagnostics, LLC DBA Color Health
Classification: Uncertain significance for Cardiac arrhythmia. Last evaluated: 2025-12-08. Review status: criteria provided, single submitter. Criteria: ACMG Guidelines, 2015. Collection method: clinical testing. Allele origin: germline.
Comment: This missense variant replaces alanine with valine at codon 486 of the KCNQ1 protein. Computational prediction is inconclusive regarding the impact of this variant on protein structure and function. To our knowledge, functional studies have not been reported for this variant. This variant has not been reported in individuals affected with KCNQ1-related disorders in the literature. This variant has been identified in 7/1614228 chromosomes in the general population by the Genome Aggregation Database (gnomAD). The available evidence is insufficient to determine the role of this variant in disease conclusively. Therefore, this variant is classified as a Variant of Uncertain Significance.

All of Us Research Program, National Institutes of Health
Classification: Uncertain significance for Long QT syndrome. Last evaluated: 2024-03-05. Review status: criteria provided, single submitter. Criteria: ACMG Guidelines, 2015. Collection method: clinical testing. Allele origin: germline. Inheritance: Autosomal dominant inheritance. Observed: 1 variant allele, 1 heterozygote.
Comment: This study involves interpretation of variants in research participants for the purpose of population health screening. Participant phenotype was not available at the time of variant classification. Additional details can be found in publication PMID: 35346344, PMCID: PMC8962531

Ambry Genetics
Classification: Uncertain significance for Cardiovascular phenotype. Last evaluated: 2020-09-21. Review status: criteria provided, single submitter. Criteria: Ambry Variant Classification Scheme 2023. Collection method: clinical testing. Allele origin: germline.
Comment: The p.A486V variant (also known as c.1457C>T), located in coding exon 11 of the KCNQ1 gene, results from a C to T substitution at nucleotide position 1457. The alanine at codon 486 is replaced by valine, an amino acid with similar properties. This amino acid position is well conserved in available vertebrate species. In addition, this alteration is predicted to be deleterious by in silico analysis. Since supporting evidence is limited at this time, the clinical significance of this alteration remains unclear.

NM_000218.3(KCNQ1):c.1457C>T (p.Ala486Val)

Genes: KCNQ1 (potassium voltage-gated channel subfamily Q member 1; plus strand), KCNQ1OT1 (KCNQ1 opposite strand/antisense transcript 1; minus strand). Cytogenetic location: 11p15.5.
Variant type: single nucleotide variant.
Coding change: c.1457C>T on transcript NM_000218.3 (MANE Select); coding-DNA position 1457, C replaced by T.
Protein change: p.Ala486Val; replaces alanine 486 with valine.
Molecular consequence: missense variant.
Genome position (GRCh38, 1-based): chr11:2,662,024, C>T. VCF-style: chr11-2662024-C-T. GRCh37 (hg19) VCF-style: chr11-2683254-C-T.
Other names: c.1361C>T, p.Ala454Val (NM_001406836.1); c.1187C>T, p.Ala396Val (NM_001406837.1); c.917C>T, p.Ala306Val (NM_001406838.1); c.1076C>T, p.Ala359Val (NM_181798.2); short protein forms A359V, A486V, A306V, A454V, A396V.
Identifiers: ClinVar variation 1773077 (VCV001773077.4), dbSNP rs2493870184, ClinGen allele CA379479611.